The following is an entry in ClinVar:

ClinVar aggregate classification (germline): Uncertain significance (1 of 4 stars; one submission).

Submission:

CeGaT Center for Human Genetics Tuebingen
Classification: Uncertain significance. Last evaluated: 2026-08-01. Review status: criteria provided, single submitter. Criteria: CeGaT Center For Human Genetics Tuebingen Variant Classification Criteria Version 2. Collection method: clinical testing. Allele origin: germline. Affected: yes. Observed: 1 variant allele.
Comment: SPTAN1: PM2

NM_001130438.3(SPTAN1):c.3602C>T (p.Thr1201Ile)

Gene: SPTAN1 (spectrin alpha, non-erythrocytic 1; plus strand). Cytogenetic location: 9q34.11.
Variant type: single nucleotide variant.
Coding change: c.3602C>T on transcript NM_001130438.3 (MANE Select); coding-DNA position 3602, C replaced by T.
Protein change: p.Thr1201Ile; replaces threonine 1201 with isoleucine.
Molecular consequence: missense variant.
Genome position (GRCh38, 1-based): chr9:128,603,565, C>T. VCF-style: chr9-128603565-C-T. GRCh37 (hg19) VCF-style: chr9-131365844-C-T.
Other names: c.3542C>T, p.Thr1181Ile (NM_001195532.2, NM_001363765.2, NM_001375314.2 and 3 more transcripts); c.3602C>T, p.Thr1201Ile (NM_001363759.2, NM_001375310.1, NM_001438445.1 and 4 more transcripts); c.3638C>T, p.Thr1213Ile (NM_001375312.2, NM_001375318.1, NM_001438440.1); short protein forms T1181I, T1201I, T1213I.
Identifiers: ClinVar variation 5040445 (VCV005040445.1).
Genomic context (GRCh38, chr9:128,603,565, plus strand): 5'-CTTGATTAGTTTTGCCTTCTGCTTTCCTCCCTACCTAGTCTGCTCGTCTGATGGTTCACA[C>T]CGTGGCCACCTTTAATTCCATCAAGGTAAGAAGCAGTGACCAGCTCCTCTGATCTCCCCT-3'
Protein context (NP_001123910.1, residues 1191-1211): PWKSARLMVH[Thr1201Ile]VATFNSIKEL